The following is an entry in ClinVar:

ClinVar aggregate classification (germline): Conflicting classifications of pathogenicity. Review status: criteria provided, conflicting classifications (1 of 4 stars). 2 submissions from 2 submitters: Uncertain significance (1); Likely benign (1). Last evaluated 2024-10-12.

Allele frequency attached by ClinVar (database versions not stated): TOPMed 0.00010; gnomAD 0.00011; gnomAD exomes 0.00011; ESP Exome Variant Server 0.00015; ExAC 0.00018.
gnomAD v4.1: 172 of 1,614,030 alleles (0.011%); highest among the groups gnomAD compares: Admixed American, 0.02%; 1 homozygote.

Submissions (2):

Ambry Genetics
Classification: Uncertain significance. Last evaluated: 2024-10-12. Review status: criteria provided, single submitter. Criteria: Ambry Variant Classification Scheme 2023. Collection method: clinical testing. Allele origin: germline.

CeGaT Center for Human Genetics Tuebingen
Classification: Likely benign. Last evaluated: 2024-06-01. Review status: criteria provided, single submitter. Criteria: CeGaT Center For Human Genetics Tuebingen Variant Classification Criteria Version 2. Collection method: clinical testing. Allele origin: germline. Affected: yes. Observed: 1 variant allele.
Comment: EPB41L1: BP4, BS1

NM_012156.2(EPB41L1):c.1352A>C (p.Asp451Ala)

Gene: EPB41L1 (erythrocyte membrane protein band 4.1 like 1; plus strand). Cytogenetic location: 20q11.23.
Variant type: single nucleotide variant.
Coding change: c.1352A>C on transcript NM_012156.2 (MANE Select); coding-DNA position 1352, A replaced by C.
Protein change: p.Asp451Ala; replaces aspartic acid 451 with alanine.
Molecular consequence: missense variant.
Genome position (GRCh38, 1-based): chr20:36,194,263, A>C. VCF-style: chr20-36194263-A-C. GRCh37 (hg19) VCF-style: chr20-34782185-A-C.
Other names: c.1352A>C, p.Asp451Ala (NM_001258329.1, NM_001424396.1, NM_001424397.1 and 6 more transcripts); c.1259A>C, p.Asp420Ala (NM_001258330.1); c.1166A>C, p.Asp389Ala (NM_001258331.2, NM_001424373.1, NM_001424375.1 and 13 more transcripts); c.1163A>C, p.Asp388Ala (NM_001424374.1, NM_001424377.1, NM_001424389.1 and 3 more transcripts); c.1349A>C, p.Asp450Ala (NM_001424395.1, NM_001424382.1, NM_001424385.1 and 4 more transcripts); short protein forms D388A, D389A, D420A, D450A, D451A.
Identifiers: ClinVar variation 3250807 (VCV003250807.19), dbSNP rs374477689.
Genomic context (GRCh38, chr20:36,194,263, plus strand): 5'-CCACTTCAGCAGAGTTCTCCCGCCCAGCCTCGGTCAGCGAGAACCATGATGCAGGGCCTG[A>C]CGGTGACAAGCGGGATGAGGATGGCGAGTCTGGGGGGCAACGGTCAGAGGCTGAGGAGGG-3'
Protein context (NP_036288.2, residues 441-461): SVSENHDAGP[Asp451Ala]GDKRDEDGES